The following is an entry in ClinVar:

NM_001182.5(ALDH7A1):c.1549A>T (p.Met517Leu)

Gene: ALDH7A1 (aldehyde dehydrogenase 7 family member A1; minus strand). Cytogenetic location: 5q23.2.
Variant type: single nucleotide variant.
Coding change: c.1549A>T on transcript NM_001182.5 (MANE Select); coding-DNA position 1549, A replaced by T.
Protein change: p.Met517Leu; replaces methionine 517 with leucine.
Molecular consequence: missense variant.
Genome position (GRCh38, 1-based): chr5:126,546,340, T>A on the plus strand (A>T on the coding strand, the complement: ALDH7A1 is on the minus strand). VCF-style: chr5-126546340-T-A. GRCh37 (hg19) VCF-style: chr5-125882032-T-A.
Other names: c.1465A>T, p.Met489Leu (NM_001201377.2); c.1357A>T, p.Met453Leu (NM_001202404.2); short protein forms M517L, M489L, M453L.
Identifiers: ClinVar variation 1400683 (VCV001400683.8), dbSNP rs1749785606, ClinGen allele CA360718912.
Genomic context (GRCh38, chr5:126,546,340, plus strand): 5'-AAGGGTTTTAAGCCCAAACCTATCTTCCCAAAGCCTTTTCTTACCAAGTAGACCTTCTCA[T>A]GTACTGTTTCCAGGCATCACTGCCAGACTCCCTGCCACCACCAGTGTGCTTTTCTCCTCC-3'
Protein context (NP_001173.2, residues 507-527): ESGSDAWKQY[Met517Leu]RRSTCTINYS

ClinVar aggregate classification (germline): Uncertain significance (1 of 4 stars; one submission).

Conditions:
Pyridoxine-dependent epilepsy (EPEO4). Also called: Pyridoxine-Dependent Epilepsy - ALDH7A1; PYRIDOXINE DEPENDENCY WITH SEIZURES; EPILEPSY, EARLY-ONSET, 4, VITAMIN B6-DEPENDENT; Pyridoxine-Dependent Seizures. Identifiers: Orphanet 3006, MedGen C1849508, MONDO:0009945, OMIM 266100. Disease mechanism: loss of function.

Submission:

Labcorp Genetics (formerly Invitae), Labcorp
Classification: Uncertain significance for Pyridoxine-dependent epilepsy. Last evaluated: 2021-06-13. Review status: criteria provided, single submitter. Criteria: Invitae Variant Classification Sherloc (09022015). Collection method: clinical testing. Allele origin: germline.
Comment: In summary, the available evidence is currently insufficient to determine the role of this variant in disease. Therefore, it has been classified as a Variant of Uncertain Significance. Advanced modeling of protein sequence and biophysical properties (such as structural, functional, and spatial information, amino acid conservation, physicochemical variation, residue mobility, and thermodynamic stability) performed at Invitae indicates that this missense variant is expected to disrupt ALDH7A1 protein function. This variant has not been reported in the literature in individuals with ALDH7A1-related conditions. This variant is not present in population databases (ExAC no frequency). This sequence change replaces methionine with leucine at codon 517 of the ALDH7A1 protein (p.Met517Leu). The methionine residue is moderately conserved and there is a small physicochemical difference between methionine and leucine.